The following is an entry in ClinVar:

ClinVar aggregate classification (germline): Uncertain significance (1 of 4 stars; one submission).

Conditions:
Brachyolmia-amelogenesis imperfecta syndrome. Also called: Tooth agenesis, selective, 6; Dental anomalies and short stature; PLATYSPONDYLY WITH AMELOGENESIS IMPERFECTA. Identifiers: Orphanet 2899, MedGen C1832594, MONDO:0011018, OMIM 601216. Disease mechanism: loss of function.

Allele frequency attached by ClinVar (database versions not stated): gnomAD exomes below 0.00001.
gnomAD v4.1: 7 of 1,614,070 alleles (0.00043%); highest among the groups gnomAD compares: Middle Eastern, 0.016%; no homozygotes.

Submission:

Labcorp Genetics (formerly Invitae), Labcorp
Classification: Uncertain significance for Brachyolmia-amelogenesis imperfecta syndrome. Last evaluated: 2023-03-31. Review status: criteria provided, single submitter. Criteria: Invitae Variant Classification Sherloc (09022015). Collection method: clinical testing. Allele origin: germline.
Comment: This sequence change replaces glycine, which is neutral and non-polar, with glutamic acid, which is acidic and polar, at codon 792 of the LTBP3 protein (p.Gly792Glu). In summary, the available evidence is currently insufficient to determine the role of this variant in disease. Therefore, it has been classified as a Variant of Uncertain Significance. An algorithm developed to predict the effect of missense changes on protein structure and function (PolyPhen-2) suggests that this variant is likely to be disruptive. This variant has not been reported in the literature in individuals affected with LTBP3-related conditions. This variant is not present in population databases (gnomAD no frequency).

NM_001130144.3(LTBP3):c.2375G>A (p.Gly792Glu)

Gene: LTBP3 (latent transforming growth factor beta binding protein 3; minus strand). Cytogenetic location: 11q13.1.
Variant type: single nucleotide variant.
Coding change: c.2375G>A on transcript NM_001130144.3 (MANE Select); coding-DNA position 2375, G replaced by A.
Protein change: p.Gly792Glu; replaces glycine 792 with glutamic acid.
Molecular consequence: missense variant.
Genome position (GRCh38, 1-based): chr11:65,543,528, C>T on the plus strand (G>A on the coding strand, the complement: LTBP3 is on the minus strand). VCF-style: chr11-65543528-C-T. GRCh37 (hg19) VCF-style: chr11-65310999-C-T.
Other names: c.2024G>A, p.Gly675Glu (NM_001164266.1); c.2375G>A, p.Gly792Glu (NM_021070.4); short protein forms G675E, G792E.
Identifiers: ClinVar variation 2896214 (VCV002896214.3), dbSNP rs2496139818, ClinGen allele CA381269413.